The following is an entry in ClinVar:

ClinVar aggregate classification (germline): Benign. Review status: criteria provided, single submitter (1 of 4 stars). 2 submissions from 1 submitter: Benign (2). Last evaluated 2018-01-13.

Conditions:
Senior-Loken syndrome 4 (SLSN4). Identifiers: Orphanet 3156, MedGen C1846979, MONDO:0011756, OMIM 606996.
Nephronophthisis 4 (NPHP4). Also called: NEPHRONOPHTHISIS 4, JUVENILE. Identifiers: Orphanet 655, MedGen C1847013, MONDO:0011752, OMIM 606966.

Allele frequency attached by ClinVar (database versions not stated): gnomAD 0.01083 and 0.01171; 1000 Genomes Project 0.01158; 1000 Genomes Project 30x 0.01218; TOPMed 0.01240.
gnomAD v4.1: 2,695 of 980,112 alleles (0.27%); highest among the groups gnomAD compares: African/African-American, 3.9%; 45 homozygotes.

Submissions (2):

Illumina Laboratory Services, Illumina
Classification: Benign for Senior-Loken syndrome 4. Last evaluated: 2018-01-13. Review status: criteria provided, single submitter. Criteria: ICSL Variant Classification Criteria 13 December 2019. Collection method: clinical testing. Allele origin: germline.
Comment: This variant was observed in the ICSL laboratory as part of a predisposition screen in an ostensibly healthy population. It had not been previously curated by ICSL or reported in the Human Gene Mutation Database (HGMD: prior to June 1st, 2018), and was therefore a candidate for classification through an automated scoring system. Utilizing variant allele frequency, disease prevalence and penetrance estimates, and inheritance mode, an automated score was calculated to assess if this variant is too frequent to cause the disease. Based on the score and internal cut-off values, a variant classified as benign is not then subjected to further curation. The score for this variant resulted in a classification of benign for this disease.

Illumina Laboratory Services, Illumina
Classification: Benign for Nephronophthisis 4. Last evaluated: 2018-01-13. Review status: criteria provided, single submitter. Criteria: ICSL Variant Classification Criteria 13 December 2019. Collection method: clinical testing. Allele origin: germline.
Comment: the same text as in the submission from Illumina Laboratory Services, Illumina above.

NM_015102.5(NPHP4):c.*128A>C

Gene: NPHP4 (nephrocystin 4; minus strand). Cytogenetic location: 1p36.31.
Variant type: single nucleotide variant.
Coding change: c.*128A>C on transcript NM_015102.5 (MANE Select); 128 bases downstream of the stop codon, A replaced by C.
Molecular consequence: 3 prime UTR variant. On other transcripts: non-coding transcript variant (1).
Genome position (GRCh38, 1-based): chr1:5,863,137, T>G on the plus strand (A>C on the coding strand, the complement: NPHP4 is on the minus strand). VCF-style: chr1-5863137-T-G. GRCh37 (hg19) VCF-style: chr1-5923197-T-G.
Other names: c.*128A>C (NM_001291593.2, NM_001291594.2).
Identifiers: ClinVar variation 297782 (VCV000297782.5), dbSNP rs116747881, ClinGen allele CA10610566.